The following is an entry in ClinVar:

ClinVar aggregate classification (germline): Uncertain significance (1 of 4 stars; one submission).

Submission:

GeneDx
Classification: Uncertain significance. Last evaluated: 2024-11-19. Review status: criteria provided, single submitter. Criteria: GeneDx Variant Classification Process June 2021. Collection method: clinical testing. Allele origin: germline. Affected: yes.
Comment: Not observed at significant frequency in large population cohorts (gnomAD); In silico analysis supports that this missense variant has a deleterious effect on protein structure/function; Has not been previously published as pathogenic or benign to our knowledge

NM_020745.4(AARS2):c.1089G>C (p.Glu363Asp)

Gene: AARS2 (alanyl-tRNA synthetase 2, mitochondrial; minus strand). Cytogenetic location: 6p21.1.
Variant type: single nucleotide variant.
Coding change: c.1089G>C on transcript NM_020745.4 (MANE Select); coding-DNA position 1089, G replaced by C.
Protein change: p.Glu363Asp; replaces glutamic acid 363 with aspartic acid.
Molecular consequence: missense variant.
Genome position (GRCh38, 1-based): chr6:44,306,983, C>G on the plus strand (G>C on the coding strand, the complement: AARS2 is on the minus strand). VCF-style: chr6-44306983-C-G. GRCh37 (hg19) VCF-style: chr6-44274720-C-G.
Other names: short protein forms E363D.
Identifiers: ClinVar variation 3899533 (VCV003899533.1).
Genomic context (GRCh38, chr6:44,306,983, plus strand): 5'-CAGTGTCTCCACCACTACAGGTACCAGGCTGCCTAGGAAGCCAGGTGGTGCCTTTAAGAT[C>G]TCCATGGAGAAACGCACAGCTCGACGCAGGATCCGACGAAGAACCAGCCTAAAGGGGTTC-3'
Protein context (NP_065796.2, residues 353-373): ILRRAVRFSM[Glu363Asp]ILKAPPGFLG